The following is an entry in ClinVar:

NM_025114.4(CEP290):c.5182G>T (p.Glu1728Ter)

Gene: CEP290 (centrosomal protein 290; minus strand). Cytogenetic location: 12q21.32.
Variant type: single nucleotide variant.
Coding change: c.5182G>T on transcript NM_025114.4 (MANE Select); coding-DNA position 5182, G replaced by T.
Protein change: p.Glu1728Ter; replaces glutamic acid 1728 with a stop codon.
Molecular consequence: nonsense.
Genome position (GRCh38, 1-based): chr12:88,080,226, C>A on the plus strand (G>T on the coding strand, the complement: CEP290 is on the minus strand). VCF-style: chr12-88080226-C-A. GRCh37 (hg19) VCF-style: chr12-88474003-C-A.
Other names: short protein forms E1728*.
Identifiers: ClinVar variation 197044 (VCV000197044.27), dbSNP rs370119681, ClinGen allele CA275233.
Genomic context (GRCh38, chr12:88,080,226, plus strand): 5'-TTCTGTTGTTACTTACTTTCTGTTGTTTCTCCTTCAAGGCTAATTGGCTCTTTAGCCGTT[C>A]TACTAGATTTCTCATTGTAGTTGTTGGAGCTCTTGAATTTGCTTCTTTTTGAGCCTGAAG-3'

ClinVar aggregate classification (germline): Pathogenic/Likely pathogenic. Review status: criteria provided, multiple submitters, no conflicts (2 of 4 stars). 13 submissions from 13 submitters: Pathogenic (12); Likely pathogenic (1). Last evaluated 2025-07-25.

Conditions:
CEP290-related disorder. Also called: CEP290-related condition; CEP290-related disorders. Identifiers: MedGen CN239314.
Joubert syndrome. Also called: Familial aplasia of the vermis; JOUBERT-BOLTSHAUSER SYNDROME. Identifiers: Orphanet 475, MedGen C5979921, MONDO:0018772.
Meckel-Gruber syndrome. Also called: GRUBER SYNDROME; Dysencephalia splachnocystica; DYSENCEPHALIA SPLANCHNOCYSTICA. Identifiers: Orphanet 564, MedGen C0265215, MONDO:0018921.
Nephronophthisis. Also called: Juvenile Nephronophthisis. Identifiers: Orphanet 655, MedGen C0687120, MONDO:0019005, HP:0000090.
Retinal dystrophy. Also called: Inherited retinal dystrophy. Identifiers: Orphanet 71862, MedGen C0854723, MeSH D058499, MONDO:0019118, HP:0000556.
Leber congenital amaurosis 10 (LCA10). Identifiers: Orphanet 65, MedGen C1857821, MONDO:0012723, OMIM 611755.
Meckel syndrome, type 4 (MKS4). Also called: MECKEL-GRUBER SYNDROME, TYPE 4. Identifiers: Orphanet 564, MedGen C1970161, MONDO:0012626, OMIM 611134.
Senior-Loken syndrome 6 (SLSN6). Identifiers: Orphanet 3156, MedGen C1857779, MONDO:0012433, OMIM 610189.
Bardet-Biedl syndrome 14 (BBS14). Identifiers: Orphanet 110, MedGen C2673874, MONDO:0014442, OMIM 615991.
Joubert syndrome 5 (JBTS5). Identifiers: Orphanet 2318, MedGen C1857780, MONDO:0012432, OMIM 610188.
Leber congenital amaurosis (LCA). Also called: Leber's amaurosis. Identifiers: Orphanet 65, MedGen C0339527, MeSH D057130, MONDO:0018998.

Allele frequency attached by ClinVar (database versions not stated): gnomAD exomes 0.00002; gnomAD 0.00003 and 0.00004; ESP Exome Variant Server 0.00017.
gnomAD v4.1: 21 of 1,612,854 alleles (0.0013%); highest among the groups gnomAD compares: Non-Finnish European, 0.0018%; no homozygotes.

Submissions (13):

Natera, Inc.
Classification: Pathogenic for Leber congenital amaurosis. Last evaluated: 2025-07-25. Review status: criteria provided, single submitter. Criteria: Natera Variant Classification Schema (03/2026). Collection method: clinical testing. Allele origin: germline.
Comment: The c.5182G>T variant in CEP290 is a nonsense variant predicted to introduce a stop codon at amino acid 1728. This variant is expected to result in nonsense mediated decay, truncation, or a dysfunctional protein product. This variant is rare in the general population with a frequency below the threshold expected for the associated phenotype(s). This variant has been observed in one or more individuals affected with the associated recessive disease, as either homozygous or compound heterozygous with a second variant (PMID: 21068128). Given the available evidence, this variant is classified as Pathogenic.

PreventionGenetics, part of Exact Sciences
Classification: Pathogenic for CEP290-related condition. Last evaluated: 2025-05-13. Review status: criteria provided, single submitter. Criteria: ACMG Guidelines, 2015. Collection method: clinical testing. Allele origin: germline.
Comment: The CEP290 c.5182G>T variant is predicted to result in premature protein termination (p.Glu1728*). This variant has been reported in the compound heterozygous state in patients with Joubert syndrome (Otto et al. 2011. PubMed ID: 21068128; Vilboux et al. 2017. PubMed ID: 28125082; Chaki et al. 2011. PubMed ID: 21866095). This variant is reported in 0.0039% of alleles in individuals of European (Non-Finnish) descent in gnomAD. Nonsense variants in CEP290 are expected to be pathogenic. This variant is interpreted as pathogenic.

Fulgent Genetics
Classification: Pathogenic for Joubert syndrome 5; Senior-Loken syndrome 6; Meckel syndrome, type 4; Leber congenital amaurosis 10; Bardet-Biedl syndrome 14. Last evaluated: 2024-06-11. Review status: criteria provided, single submitter. Criteria: ACMG Guidelines, 2015. Collection method: clinical testing. Allele origin: germline.

Labcorp Genetics (formerly Invitae), Labcorp
Classification: Pathogenic for Joubert syndrome; Meckel-Gruber syndrome; Nephronophthisis. Last evaluated: 2024-04-22. Review status: criteria provided, single submitter. Criteria: Invitae Variant Classification Sherloc (09022015). Collection method: clinical testing. Allele origin: germline.
Comment: This sequence change creates a premature translational stop signal (p.Glu1728*) in the CEP290 gene. It is expected to result in an absent or disrupted protein product. Loss-of-function variants in CEP290 are known to be pathogenic (PMID: 16909394, 17345604, 20690115). The frequency data for this variant in the population databases is considered unreliable, as metrics indicate poor data quality at this position in the gnomAD database. This premature translational stop signal has been observed in individual(s) with Joubert syndrome, or severe early childhood onset retinal dystrophy (PMID: 21068128, 28559085). ClinVar contains an entry for this variant (Variation ID: 197044). For these reasons, this variant has been classified as Pathogenic.

Baylor Genetics
Classification: Pathogenic for Bardet-Biedl syndrome 14. Last evaluated: 2024-03-15. Review status: criteria provided, single submitter. Criteria: ACMG Guidelines, 2015. Collection method: clinical testing. Allele origin: unknown.

Institute of Medical Genetics and Applied Genomics, University Hospital Tübingen
Classification: Pathogenic for Leber congenital amaurosis 10. Last evaluated: 2023-03-17. Review status: criteria provided, single submitter. Criteria: ACMG Guidelines, 2015. Collection method: clinical testing. Allele origin: germline. Inheritance: Autosomal recessive inheritance. Affected: yes.

Institute for Clinical Genetics, University Hospital TU Dresden, University Hospital TU Dresden
Classification: Pathogenic. Last evaluated: 2022-12-06. Review status: criteria provided, single submitter. Criteria: ACMG Guidelines, 2015. Collection method: clinical testing. Allele origin: paternal.
Comment: PVS1, PM2_SUP, PM3

GeneDx
Classification: Pathogenic. Last evaluated: 2022-07-13. Review status: criteria provided, single submitter. Criteria: GeneDx Variant Classification Process June 2021. Collection method: clinical testing. Allele origin: germline. Affected: yes.
Comment: Nonsense variant predicted to result in protein truncation or nonsense mediated decay in a gene for which loss-of-function is a known mechanism of disease; Not observed at a significant frequency in large population cohorts (gnomAD); This variant is associated with the following publications: (PMID: 23559409, 21866095, 25525159, 28559085, 24868008, 21068128)

Women's Health and Genetics/Laboratory Corporation of America, LabCorp
Classification: Pathogenic for Meckel syndrome, type 4. Last evaluated: 2022-03-08. Review status: criteria provided, single submitter. Criteria: LabCorp Variant Classification Summary - May 2015. Collection method: clinical testing. Allele origin: germline.
Comment: Variant summary: CEP290 c.5182G>T (p.Glu1728X) results in a premature termination codon, predicted to cause a truncation of the encoded protein or absence of the protein due to nonsense mediated decay, which are commonly known mechanisms for disease. Truncations downstream of this position have been classified as pathogenic by our laboratory. The variant allele was found at a frequency of 1.6e-05 in 247180 control chromosomes (gnomAD and publication data). c.5182G>T has been reported in the literature in individuals affected with Joubert syndrome (Otto_2011, Chaki_2011, Summers_2017, Fleming_2017). These data indicate that the variant is likely to be associated with disease. To our knowledge, no experimental evidence demonstrating an impact on protein function has been reported. Four ClinVar submitters (evaluation after 2014) cite the variant as pathogenic (n=3) and likely pathogenic (n=1). Based on the evidence outlined above, the variant was classified as pathogenic.

Ocular Genomics Institute, Massachusetts Eye and Ear
Classification: Likely pathogenic for Leber congenital amaurosis 10. Last evaluated: 2021-04-08. Review status: criteria provided, single submitter. Criteria: ACMG Guidelines, 2015. Collection method: research. Allele origin: germline. Affected: yes.
Comment: Through a review of available evidence we were able to apply the following criteria: PVS1, PM2. Based on this evidence we have classified this variant as Likely Pathogenic.

Institute of Human Genetics, Univ. Regensburg, Univ. Regensburg
Classification: Pathogenic for Retinal dystrophy. Last evaluated: 2021-01-01. Review status: criteria provided, single submitter. Criteria: ACMG Guidelines, 2015. Collection method: clinical testing. Allele origin: germline. Affected: yes.

Blueprint Genetics
Classification: Pathogenic for CEP290-related disorders. Last evaluated: 2019-10-23. Review status: criteria provided, single submitter. Criteria: ACMG Guidelines, 2015. Collection method: clinical testing. Allele origin: germline. Affected: yes. Observed: 4 variant alleles.

Eurofins Ntd Llc (ga)
Classification: Pathogenic. Last evaluated: 2014-11-14. Review status: criteria provided, single submitter. Criteria: EGL Classification Definitions 2015. Collection method: clinical testing. Allele origin: germline. Observed: 2 variant alleles, 2 heterozygotes.

Literature cited by the submitters: PubMed 21068128 (cited by 6 submitters); PubMed 16909394 (cited by Labcorp Genetics (formerly Invitae), Labcorp); PubMed 17345604 (cited by Labcorp Genetics (formerly Invitae), Labcorp); PubMed 20690115 (cited by Labcorp Genetics (formerly Invitae), Labcorp); PubMed 28559085 (cited by 3 submitters); PubMed 28497568 (cited by Women's Health and Genetics/Laboratory Corporation of America, LabCorp); PubMed 21866095 (cited by 3 submitters); PubMed 29146704 (cited by Women's Health and Genetics/Laboratory Corporation of America, LabCorp); PubMed 23559409 (cited by Women's Health and Genetics/Laboratory Corporation of America, LabCorp); PubMed 25525159 (cited by Ocular Genomics Institute, Massachusetts Eye and Ear and Institute of Human Genetics, Univ. Regensburg, Univ. Regensburg); PubMed 31964843 (cited by Institute of Human Genetics, Univ. Regensburg, Univ. Regensburg); PubMed 35627109 (cited by Institute of Human Genetics, Univ. Regensburg, Univ. Regensburg).